The following is an entry in ClinVar:

ClinVar aggregate classification (germline): Uncertain significance. Review status: criteria provided, multiple submitters, no conflicts (2 of 4 stars). 2 submissions from 2 submitters: Uncertain significance (2). Last evaluated 2024-01-24.

Conditions:
Inborn genetic diseases. Identifiers: MedGen C0950123, MeSH D030342.

Allele frequency attached by ClinVar (database versions not stated): gnomAD 0.00009; ExAC 0.00012; gnomAD exomes 0.00023.

Submissions (2):

Ambry Genetics
Classification: Uncertain significance for Inborn genetic diseases. Last evaluated: 2024-01-24. Review status: criteria provided, single submitter. Criteria: Ambry Variant Classification Scheme 2023. Collection method: clinical testing. Allele origin: germline.

Labcorp Genetics (formerly Invitae), Labcorp
Classification: Uncertain significance. Last evaluated: 2022-05-25. Review status: criteria provided, single submitter. Criteria: Invitae Variant Classification Sherloc (09022015). Collection method: clinical testing. Allele origin: germline.
Comment: This sequence change replaces arginine, which is basic and polar, with histidine, which is basic and polar, at codon 484 of the ITGA6 protein (p.Arg484His). The frequency data for this variant in the population databases is considered unreliable, as metrics indicate poor data quality at this position in the gnomAD database. This variant has not been reported in the literature in individuals affected with ITGA6-related conditions. Algorithms developed to predict the effect of missense changes on protein structure and function output the following: SIFT: "Tolerated"; PolyPhen-2: "Benign"; Align-GVGD: "Class C0". The histidine amino acid residue is found in multiple mammalian species, which suggests that this missense change does not adversely affect protein function. In summary, the available evidence is currently insufficient to determine the role of this variant in disease. Therefore, it has been classified as a Variant of Uncertain Significance.

NM_000210.4(ITGA6):c.1451G>A (p.Arg484His)

Genes: ITGA6 (integrin subunit alpha 6; plus strand), PDK1-AS1 (PDK1 and ITGA6 antisense RNA 1; minus strand). Cytogenetic location: 2q31.1.
Variant type: single nucleotide variant.
Coding change: c.1451G>A on transcript NM_000210.4 (MANE Select); coding-DNA position 1451, G replaced by A.
Protein change: p.Arg484His; replaces arginine 484 with histidine.
Molecular consequence: missense variant.
Genome position (GRCh38, 1-based): chr2:172,479,703, G>A. VCF-style: chr2-172479703-G-A. GRCh37 (hg19) VCF-style: chr2-173344431-G-A.
Other names: c.1451G>A, p.Arg484His (NM_001079818.3, NM_001365529.2, NM_001365530.2); c.1094G>A, p.Arg365His (NM_001316306.2); c.1568G>A, p.Arg523His (NM_001394928.1); c.1451G>A (NM_000210.2); short protein forms R484H, R365H, R523H.
Identifiers: ClinVar variation 2059602 (VCV002059602.2), dbSNP rs200082047, ClinGen allele CA1968131.